The following is an entry in ClinVar:

ClinVar aggregate classification (germline): Uncertain significance (1 of 4 stars; one submission).

gnomAD v4.1: 1 of 1,614,022 alleles (0.000062%); highest among the groups gnomAD compares: Non-Finnish European, 0.000085%; no homozygotes.

Submission:

Labcorp Genetics (formerly Invitae), Labcorp
Classification: Uncertain significance. Last evaluated: 2024-05-29. Review status: criteria provided, single submitter. Criteria: Invitae Variant Classification Sherloc (09022015). Collection method: clinical testing. Allele origin: germline.
Comment: This sequence change replaces phenylalanine, which is neutral and non-polar, with leucine, which is neutral and non-polar, at codon 65 of the SBF1 protein (p.Phe65Leu). This variant is not present in population databases (gnomAD no frequency). This variant has not been reported in the literature in individuals affected with SBF1-related conditions. Advanced modeling of protein sequence and biophysical properties (such as structural, functional, and spatial information, amino acid conservation, physicochemical variation, residue mobility, and thermodynamic stability) performed at Invitae indicates that this missense variant is expected to disrupt SBF1 protein function with a positive predictive value of 80%. In summary, the available evidence is currently insufficient to determine the role of this variant in disease. Therefore, it has been classified as a Variant of Uncertain Significance.

NM_002972.4(SBF1):c.193T>C (p.Phe65Leu)

Gene: SBF1 (SET binding factor 1; minus strand). Cytogenetic location: 22q13.33.
Variant type: single nucleotide variant.
Coding change: c.193T>C on transcript NM_002972.4 (MANE Select); coding-DNA position 193, T replaced by C.
Protein change: p.Phe65Leu; replaces phenylalanine 65 with leucine.
Molecular consequence: missense variant.
Genome position (GRCh38, 1-based): chr22:50,467,872, A>G on the plus strand (T>C on the coding strand, the complement: SBF1 is on the minus strand). VCF-style: chr22-50467872-A-G. GRCh37 (hg19) VCF-style: chr22-50906301-A-G.
Other names: c.193T>C, p.Phe65Leu (NM_001365819.1, NM_001410794.1, NM_001410795.1); short protein forms F65L.
Identifiers: ClinVar variation 3655019 (VCV003655019.2).
Genomic context (GRCh38, chr22:50,467,872, plus strand): 5'-AGGTCAAGCAGGCGCAGTAGTGGCGCTCGGAGTTGATGTCGGTGAGGACAGCAACAAAGA[A>G]GGTCGGTGGATTCCTCTCGGGACACAGCTGCCACCCGCTGGGCTGGCAAAACTGCAGGGA-3'
Protein context (NP_002963.2, residues 55-75): QLCPERNPPT[Phe65Leu]FVAVLTDINS